The following is an entry in ClinVar:

NM_006432.5(NPC2):c.304C>T (p.Gln102Ter)

Gene: NPC2 (NPC intracellular cholesterol transporter 2; minus strand). Cytogenetic location: 14q24.3.
Variant type: single nucleotide variant.
Coding change: c.304C>T on transcript NM_006432.5 (MANE Select); coding-DNA position 304, C replaced by T.
Protein change: p.Gln102Ter; replaces glutamine 102 with a stop codon.
Molecular consequence: nonsense.
Genome position (GRCh38, 1-based): chr14:74,484,474, G>A on the plus strand (C>T on the coding strand, the complement: NPC2 is on the minus strand). VCF-style: chr14-74484474-G-A. GRCh37 (hg19) VCF-style: chr14-74951177-G-A.
Other names: c.304C>T, p.Gln102Ter (NM_001363688.1, NM_001375440.1); short protein forms Q102*.
Identifiers: ClinVar variation 983846 (VCV000983846.3), dbSNP rs2086687862, ClinGen allele CA390532368.
Genomic context (GRCh38, chr14:74,484,474, plus strand): 5'-CAGAGGGATATTCGCTTTTCACTGGTAGTTTATTCAGGTAGCTATAGGTCTTGTCTTTTT[G>A]GATAGGGCAGTTAATTCCACTCTTACAACCATCAGGCTCAGGAATGGGAAAGGGAACTGG-3'

ClinVar aggregate classification (germline): Likely pathogenic (1 of 4 stars; one submission).

Conditions:
Niemann-Pick disease, type C2 (NPC2). Identifiers: Orphanet 646, MedGen C1843366, MONDO:0011873, OMIM 607625.

Submission:

Myriad Genetics, Inc.
Classification: Likely pathogenic for Niemann-Pick disease, type C2. Last evaluated: 2020-01-15. Review status: criteria provided, single submitter. Criteria: Myriad Women's Health Autosomal Recessive and X-Linked Classification Criteria (2019). Collection method: clinical testing. Allele origin: unknown.
Comment: NM_006432.3(NPC2):c.304C>T(Q102*) is expected to be pathogenic in the context of Niemann-Pick disease type C2. This variant is predicted to lead to an abnormal or absent protein product due to the creation of a premature termination codon in NPC2, a gene where loss-of-function variants are known to be pathogenic. Please note: this variant was assessed in the context of healthy population screening.